The following is an entry in ClinVar:

ClinVar aggregate classification (germline): Likely benign (0 of 4 stars; one submission).

Conditions:
PLXNA1-related disorder. Also called: PLXNA1-related condition.

gnomAD v4.1: 3 of 1,605,390 alleles (0.00019%); highest among the groups gnomAD compares: Admixed American, 0.0033%; no homozygotes.

Submission:

PreventionGenetics, part of Exact Sciences
Classification: Likely benign for PLXNA1-related condition. Last evaluated: 2022-11-23. Review status: no assertion criteria provided. Collection method: clinical testing. Allele origin: germline.
Comment: This variant is classified as likely benign based on ACMG/AMP sequence variant interpretation guidelines (Richards et al. 2015 PMID: 25741868, with internal and published modifications).

NM_032242.4(PLXNA1):c.4295+6C>T

Gene: PLXNA1 (plexin A1; plus strand). Cytogenetic location: 3q21.3.
Variant type: single nucleotide variant.
Coding change: c.4295+6C>T on transcript NM_032242.4 (MANE Select); 6 bases into the intron after coding-DNA position 4295, C replaced by T.
Molecular consequence: intron variant.
Genome position (GRCh38, 1-based): chr3:127,022,347, C>T. VCF-style: chr3-127022347-C-T. GRCh37 (hg19) VCF-style: chr3-126741190-C-T.
Identifiers: ClinVar variation 3354554 (VCV003354554.1).